The following is an entry in ClinVar:

ClinVar aggregate classification (germline): Uncertain significance (1 of 4 stars; one submission).

Conditions:
Hereditary cancer-predisposing syndrome. Also called: Neoplastic Syndromes, Hereditary; Tumor predisposition; Hereditary Cancer Syndrome; Hereditary neoplastic syndrome. Identifiers: Orphanet 140162, MedGen C0027672, MeSH D009386, MONDO:0015356.

Submission:

Ambry Genetics
Classification: Uncertain significance for Hereditary cancer-predisposing syndrome. Last evaluated: 2026-05-22. Review status: criteria provided, single submitter. Criteria: Ambry Variant Classification Scheme 2023. Collection method: clinical testing. Allele origin: germline.
Comment: The p.L137H variant (also known as c.410T>A), located in coding exon 2 of the PHOX2B gene, results from a T to A substitution at nucleotide position 410. The leucine at codon 137 is replaced by histidine, an amino acid with similar properties. This amino acid position is conserved. In addition, this alteration is predicted to be deleterious by in silico analysis. Based on the available evidence, the clinical significance of this variant remains unclear.

NM_003924.4(PHOX2B):c.410T>A (p.Leu137His)

Gene: PHOX2B (paired like homeobox 2B; minus strand). Cytogenetic location: 4p13.
Variant type: single nucleotide variant.
Coding change: c.410T>A on transcript NM_003924.4 (MANE Select); coding-DNA position 410, T replaced by A.
Protein change: p.Leu137His; replaces leucine 137 with histidine.
Molecular consequence: missense variant.
Genome position (GRCh38, 1-based): chr4:41,747,368, A>T on the plus strand (T>A on the coding strand, the complement: PHOX2B is on the minus strand). VCF-style: chr4-41747368-A-T. GRCh37 (hg19) VCF-style: chr4-41749385-A-T.
Other names: short protein forms L137H.
Identifiers: ClinVar variation 4861818 (VCV004861818.1).